The following is an entry in ClinVar:

NM_004369.4(COL6A3):c.7224C>G (p.Asp2408Glu)

Gene: COL6A3 (collagen type VI alpha 3 chain; minus strand). Cytogenetic location: 2q37.3.
Variant type: single nucleotide variant.
Coding change: c.7224C>G on transcript NM_004369.4 (MANE Select); coding-DNA position 7224, C replaced by G.
Protein change: p.Asp2408Glu; replaces aspartic acid 2408 with glutamic acid.
Molecular consequence: missense variant.
Genome position (GRCh38, 1-based): chr2:237,344,794, G>C on the plus strand (C>G on the coding strand, the complement: COL6A3 is on the minus strand). VCF-style: chr2-237344794-G-C. GRCh37 (hg19) VCF-style: chr2-238253437-G-C.
Other names: c.7224C>G (NM_004369.3); c.5403C>G, p.Asp1801Glu (NM_057166.5); c.6606C>G, p.Asp2202Glu (NM_057167.4); short protein forms D2408E, D2202E, D1801E.
Identifiers: ClinVar variation 196979 (VCV000196979.14), dbSNP rs377084627, ClinGen allele CA244835.

ClinVar aggregate classification (germline): Uncertain significance. Review status: criteria provided, multiple submitters, no conflicts (2 of 4 stars). 4 submissions from 4 submitters: Uncertain significance (4). Last evaluated 2025-11-16.

Conditions:
Inborn genetic diseases. Identifiers: MedGen C0950123, MeSH D030342.
Bethlem myopathy 1A. Also called: MYOPATHY, BENIGN CONGENITAL, WITH CONTRACTURES; Bethlem myopathy 1; Bethlem Muscular Dystrophy. Identifiers: Orphanet 610, MedGen CN029274, MONDO:0024530, OMIM 158810.

Allele frequency attached by ClinVar (database versions not stated): gnomAD exomes below 0.00001 and 0.00001; ExAC 0.00001; gnomAD 0.00001; 1000 Genomes Project 30x 0.00016; 1000 Genomes Project 0.00020.
gnomAD v4.1: 9 of 1,610,304 alleles (0.00056%); highest among the groups gnomAD compares: East Asian, 0.0022%; no homozygotes.

Submissions (4):

Labcorp Genetics (formerly Invitae), Labcorp
Classification: Uncertain significance for Bethlem myopathy 1A. Last evaluated: 2025-11-16. Review status: criteria provided, single submitter. Criteria: Invitae Variant Classification Sherloc (09022015). Collection method: clinical testing. Allele origin: germline.
Comment: This sequence change replaces aspartic acid, which is acidic and polar, with glutamic acid, which is acidic and polar, at codon 2408 of the COL6A3 protein (p.Asp2408Glu). This variant is present in population databases (rs377084627, gnomAD 0.003%). This variant has not been reported in the literature in individuals affected with COL6A3-related conditions. ClinVar contains an entry for this variant (Variation ID: 196979). Invitae Evidence Modeling of protein sequence and biophysical properties (such as structural, functional, and spatial information, amino acid conservation, physicochemical variation, residue mobility, and thermodynamic stability) indicates that this missense variant is expected to disrupt COL6A3 protein function with a positive predictive value of 80%. In summary, the available evidence is currently insufficient to determine the role of this variant in disease. Therefore, it has been classified as a Variant of Uncertain Significance.

Revvity Omics, Revvity
Classification: Uncertain significance. Last evaluated: 2024-11-13. Review status: criteria provided, single submitter. Criteria: ACMG Guidelines, 2015. Collection method: clinical testing. Allele origin: germline.

Ambry Genetics
Classification: Uncertain significance for Inborn genetic diseases. Last evaluated: 2024-04-24. Review status: criteria provided, single submitter. Criteria: Ambry Variant Classification Scheme 2023. Collection method: clinical testing. Allele origin: germline.

Eurofins Ntd Llc (ga)
Classification: Uncertain significance. Last evaluated: 2014-10-17. Review status: criteria provided, single submitter. Criteria: EGL Classification Definitions 2015. Collection method: clinical testing. Allele origin: germline. Observed: 1 variant allele, 1 heterozygote.